The following is an entry in ClinVar:

ClinVar aggregate classification (germline): Conflicting classifications of pathogenicity. Review status: criteria provided, conflicting classifications (1 of 4 stars). 3 submissions from 3 submitters: Uncertain significance (1); Likely benign (1). 1 of the submissions does not count toward it. Last evaluated 2025-09-08.

Conditions:
Hereditary cancer-predisposing syndrome. Also called: Hereditary Cancer Syndrome; Hereditary neoplastic syndrome; Neoplastic Syndromes, Hereditary; Tumor predisposition. Identifiers: Orphanet 140162, MedGen C0027672, MeSH D009386, MONDO:0015356.
Breast-ovarian cancer, familial, susceptibility to, 1 (BROVCA1). Also called: BRCA1 Hereditary Breast and Ovarian Cancer; OVARIAN CANCER, SUSCEPTIBILITY TO. Identifiers: Orphanet 145, MedGen C2676676, MONDO:0011450, OMIM 604370. Disease mechanism: loss of function.
Hereditary breast ovarian cancer syndrome. Also called: Hereditary breast and ovarian cancer syndrome (HBOC); Breast and ovarian cancer; Hereditary breast and/or ovarian cancer syndrome; Hereditary breast and ovarian cancer syndrome; BRCA1- and BRCA2-Associated Hereditary Breast and Ovarian Cancer; Hereditary breast and ovarian cancer. Identifiers: Orphanet 145, MedGen C0677776, MeSH D061325, MONDO:0003582. Disease mechanism: loss of function.

Allele frequency attached by ClinVar (database versions not stated): gnomAD exomes below 0.00001; ExAC 0.00001; gnomAD 0.00001; 1000 Genomes Project 30x 0.00016; 1000 Genomes Project 0.00020.
gnomAD v4.1: 3 of 1,612,452 alleles (0.00019%); highest among the groups gnomAD compares: Non-Finnish European, 0.00025%; no homozygotes.

Submissions (3):

Ambry Genetics
Classification: Uncertain significance for Hereditary cancer-predisposing syndrome. Last evaluated: 2025-09-08. Review status: criteria provided, single submitter. Criteria: Ambry Variant Classification Scheme 2023. Collection method: clinical testing. Allele origin: germline.
Comment: The c.441+5A>G intronic variant results from an A to G substitution 5 nucleotides after coding exon 5 in the BRCA1 gene. This nucleotide position is well conserved in available vertebrate species. In silico splice site analysis predicts that this alteration will not have any significant effect on splicing. Based on the available evidence, the clinical significance of this variant remains unclear.

Labcorp Genetics (formerly Invitae), Labcorp
Classification: Likely benign for Hereditary breast ovarian cancer syndrome. Last evaluated: 2023-05-22. Review status: criteria provided, single submitter. Criteria: Invitae Variant Classification Sherloc (09022015). Collection method: clinical testing. Allele origin: germline.

Department of Medical and Surgical Sciences, University of Bologna
Classification: Uncertain significance for Breast-ovarian cancer, familial, susceptibility to, 1. Last evaluated: 2023-09-01. Review status: no assertion criteria provided. Collection method: clinical testing. Allele origin: germline. Affected: yes. Not counted in ClinVar's aggregate classification.
Comment: PM2(Supporting)+BP4(Supporting) according to ACMG/AMP classification guidelines specified for BRCA1 & BRCA2 (Classification Criteria V1.0.0 2023-09-08) (PMID: 38160042)

NM_007294.4(BRCA1):c.441+5A>G

Gene: BRCA1 (BRCA1 DNA repair associated; minus strand). Cytogenetic location: 17q21.31.
Variant type: single nucleotide variant.
Coding change: c.441+5A>G on transcript NM_007294.4 (MANE Select); 5 bases into the intron after coding-DNA position 441, A replaced by G.
Molecular consequence: intron variant.
Genome position (GRCh38, 1-based): chr17:43,104,117, T>C on the plus strand (A>G on the coding strand, the complement: BRCA1 is on the minus strand). VCF-style: chr17-43104117-T-C. GRCh37 (hg19) VCF-style: chr17-41256134-T-C.
Other names: c.300+5A>G (NM_001408458.1, NM_001407931.1, NM_001407747.1 and 99 more transcripts); c.-218-9257A>G (NM_001407967.1, NM_001407966.1); c.60+5A>G (NM_001407959.1, NM_001407962.1, NM_001408512.1 and 4 more transcripts); c.231+5A>G (NM_001407885.1, NM_001407886.1, NM_001407898.1 and 58 more transcripts); c.441+5A>G (NM_001407686.1, NM_001408397.1, NM_001407632.1 and 165 more transcripts); c.309+5A>G (NM_001408451.1); c.363+5A>G (NM_001408475.1, NM_001407875.1, NM_001407659.1 and 21 more transcripts); c.432+5A>G (NM_001408408.1, NM_001407647.1, NM_001407646.1).
Identifiers: ClinVar variation 2683808 (VCV002683808.5), dbSNP rs200358748, ClinGen allele CA056099.